The following is an entry in ClinVar:

NM_000143.4(FH):c.222A>T (p.Arg74Ser)

Gene: FH (fumarate hydratase; minus strand). Cytogenetic location: 1q43.
Variant type: single nucleotide variant.
Coding change: c.222A>T on transcript NM_000143.4 (MANE Select); coding-DNA position 222, A replaced by T.
Protein change: p.Arg74Ser; replaces arginine 74 with serine.
Molecular consequence: missense variant.
Genome position (GRCh38, 1-based): chr1:241,517,227, T>A on the plus strand (A>T on the coding strand, the complement: FH is on the minus strand). VCF-style: chr1-241517227-T-A. GRCh37 (hg19) VCF-style: chr1-241680527-T-A.
Other names: short protein forms R74S.
Identifiers: ClinVar variation 485565 (VCV000485565.20), dbSNP rs146739519, ClinGen allele CA1478746.

ClinVar aggregate classification (germline): Conflicting classifications of pathogenicity. Review status: criteria provided, conflicting classifications (1 of 4 stars). 5 submissions from 5 submitters: Pathogenic (2); Likely pathogenic (1); Uncertain significance (1). 1 of the submissions does not count toward it. Last evaluated 2026-01-07.

Conditions:
Fumarase deficiency (FMRD). Also called: Fumarate Hydratase Deficiency; Fumaric aciduria. Identifiers: Orphanet 24, MedGen C0342770, MONDO:0011730, OMIM 606812.
Hereditary cancer-predisposing syndrome. Also called: Tumor predisposition; Hereditary neoplastic syndrome; Hereditary Cancer Syndrome; Neoplastic Syndromes, Hereditary. Identifiers: Orphanet 140162, MedGen C0027672, MeSH D009386, MONDO:0015356.

Allele frequency attached by ClinVar (database versions not stated): gnomAD 0.00001; gnomAD exomes 0.00001; TOPMed 0.00001; ExAC 0.00002; ESP Exome Variant Server 0.00008.

Submissions (6):

Ambry Genetics
Classification: Pathogenic for Hereditary cancer-predisposing syndrome. Last evaluated: 2026-01-07. Review status: criteria provided, single submitter. Criteria: Ambry Variant Classification Scheme 2023. Collection method: clinical testing. Allele origin: germline.
Comment: The p.R74S pathogenic mutation (also known as c.222A>T), located in coding exon 2 of the FH gene, results from an A to T substitution at nucleotide position 222. The arginine at codon 74 is replaced by serine, an amino acid with dissimilar properties. This alteration has been identified in individuals with a personal and/or family history of paragangliomas or pheochromocytomas (PGL/PCC), including tumors with a loss of fumarate hydratase staining in immunohistochemistry experiments (Ambry internal data; Fuchs TL et al. Am J Surg Pathol 2023 Jan;47(1):25-36; Zavoshi S et al. Urology 2023 Feb.). This amino acid position is highly conserved in available vertebrate species. In addition, this alteration is predicted to be deleterious by in silico analysis. Based on the supporting evidence, this alteration is interpreted as pathogenic in association with PGL/PCC, however its association with other features of hereditary leiomyomatosis and renal cell carcinoma syndrome is unclear.

Labcorp Genetics (formerly Invitae), Labcorp
Classification: Pathogenic. Last evaluated: 2025-10-14. Review status: criteria provided, single submitter. Criteria: Invitae Variant Classification Sherloc (09022015). Collection method: clinical testing. Allele origin: germline.
Comment: This sequence change replaces arginine, which is basic and polar, with serine, which is neutral and polar, at codon 74 of the FH protein (p.Arg74Ser). This variant is present in population databases (rs146739519, gnomAD 0.002%). This missense change has been observed in individuals with FH-deficient pheochromocytoma or paraganglioma (PMID: 35993574, 36773955; internal data). ClinVar contains an entry for this variant (Variation ID: 485565). Invitae Evidence Modeling of protein sequence and biophysical properties (such as structural, functional, and spatial information, amino acid conservation, physicochemical variation, residue mobility, and thermodynamic stability) indicates that this missense variant is expected to disrupt FH protein function with a positive predictive value of 95%. For these reasons, this variant has been classified as Pathogenic.

GeneDx
Classification: Likely pathogenic. Last evaluated: 2025-01-13. Review status: criteria provided, single submitter. Criteria: GeneDx Variant Classification Process June 2021. Collection method: clinical testing. Allele origin: germline. Affected: yes.
Comment: Not observed at significant frequency in large population cohorts (gnomAD); In silico analysis supports that this missense variant has a deleterious effect on protein structure/function; This variant is associated with the following publications: (PMID: 36773955, 35993574, 32371905, 26580448, 38721148)

Sema4
Classification: Uncertain significance for Hereditary cancer-predisposing syndrome. Last evaluated: 2022-03-13. Review status: criteria provided, single submitter. Criteria: Sema4 Curation Guidelines. Collection method: curation. Allele origin: germline.
Comment: The FH c.222A>T (p.R74S) variant has not been reported in the literature to our knowledge. It was observed in 2/113756 chromosomes in the Non-Finnish European population according to the Genome Aggregation Database (PMID: 32461654). This variant has been reported in ClinVar (Variation ID: 485565). In silico tools suggest the impact of the variant on protein function is deleterious, though these predictions have not been confirmed by functional studies. The evidence is insufficient to meet ACMG/AMP criteria for classifying the variant as benign or pathogenic. Thus, the clinical significance of this variant is currently uncertain.

Natera, Inc.
Classification: Uncertain significance for Fumarase deficiency. Last evaluated: 2020-09-16. Review status: no assertion criteria provided. Collection method: clinical testing. Allele origin: germline. Not counted in ClinVar's aggregate classification.

Blake Wilde Laboratory, Roswell Park Comprehensive Cancer Center
No classification provided (evidence only). Condition: Hereditary leiomyomatosis and renal cell cancer. Review status: no classification provided. Collection method: in vitro. Allele origin: not applicable. Functional consequence: decreased enzyme activity. Not counted in ClinVar's aggregate classification.

Literature cited by the submitters: PubMed 26580448 (cited by Ambry Genetics); PubMed 32371905 (cited by Ambry Genetics); PubMed 35993574 (cited by Ambry Genetics and Labcorp Genetics (formerly Invitae), Labcorp); PubMed 36773955 (cited by Ambry Genetics and Labcorp Genetics (formerly Invitae), Labcorp).